The following is an entry in ClinVar:

NM_005640.3(TAF4B):c.745A>G (p.Ile249Val)

Gene: TAF4B (TATA-box binding protein associated factor 4b; plus strand). Cytogenetic location: 18q11.2.
Variant type: single nucleotide variant.
Coding change: c.745A>G on transcript NM_005640.3 (MANE Select); coding-DNA position 745, A replaced by G.
Protein change: p.Ile249Val; replaces isoleucine 249 with valine.
Molecular consequence: missense variant. On other transcripts: non-coding transcript variant (1).
Genome position (GRCh38, 1-based): chr18:26,274,810, A>G. VCF-style: chr18-26274810-A-G. GRCh37 (hg19) VCF-style: chr18-23854774-A-G.
Other names: NC_000018.9:g.23854774A>G; c.745A>G, p.Ile249Val (NM_001293725.2); short protein forms I249V.
Identifiers: ClinVar variation 711702 (VCV000711702.6), dbSNP rs16942219, ClinGen allele CA8921647.

ClinVar aggregate classification (germline): Benign/Likely benign. Review status: criteria provided, multiple submitters, no conflicts (2 of 4 stars). 3 submissions from 3 submitters: Benign (2); Likely benign (1). Last evaluated 2026-09-22.

Conditions:
TAF4B-related disorder. Also called: TAF4B-related condition.

Allele frequency attached by ClinVar (database versions not stated): gnomAD exomes 0.00056 and 0.00145; ExAC 0.00161; ESP Exome Variant Server 0.00543; gnomAD 0.00555 and 0.00592; 1000 Genomes Project 30x 0.00656; TOPMed 0.00656; 1000 Genomes Project 0.00659.
gnomAD v4.1: 1,714 of 1,614,176 alleles (0.11%); highest among the groups gnomAD compares: African/African-American, 1.9%; 10 homozygotes.

Submissions (4):

PreventionGenetics, part of Exact Sciences
Classification: Likely benign for TAF4B-related condition. Last evaluated: 2026-09-22. Review status: criteria provided, single submitter. Criteria: ACMG Guidelines, 2015. Collection method: clinical testing. Allele origin: germline.
Comment: This variant is classified as likely benign based on ACMG/AMP sequence variant interpretation guidelines (Richards et al. 2015 PMID: 25741868, with internal and published modifications).

Labcorp Genetics (formerly Invitae), Labcorp
Classification: Benign. Last evaluated: 2018-03-30. Review status: criteria provided, single submitter. Criteria: Invitae Variant Classification Sherloc (09022015). Collection method: clinical testing. Allele origin: germline.

Breakthrough Genomics
Classification: Benign. Review status: criteria provided, single submitter. Criteria: ACMG Guidelines, 2015. Collection method: not provided. Allele origin: germline. Inheritance: Autosomal recessive inheritance. Affected: yes.

Dr. Peter K. Rogan Lab, Western University
No classification provided (evidence only). Condition: Gastric cancer. Review status: no classification provided. Collection method: in vitro. Allele origin: not applicable. Functional consequence: retained intron. Not counted in ClinVar's aggregate classification.